The following is an entry in ClinVar:

NM_000277.3(PAH):c.499A>T (p.Asn167Tyr)

Gene: PAH (phenylalanine hydroxylase; minus strand). Cytogenetic location: 12q23.2.
Variant type: single nucleotide variant.
Coding change: c.499A>T on transcript NM_000277.3 (MANE Select); coding-DNA position 499, A replaced by T.
Protein change: p.Asn167Tyr; replaces asparagine 167 with tyrosine.
Molecular consequence: missense variant.
Genome position (GRCh38, 1-based): chr12:102,866,606, T>A on the plus strand (A>T on the coding strand, the complement: PAH is on the minus strand). VCF-style: chr12-102866606-T-A. GRCh37 (hg19) VCF-style: chr12-103260384-T-A.
Other names: c.499A>T, p.Asn167Tyr (NM_001354304.2); short protein forms N167Y.
Identifiers: ClinVar variation 1065373 (VCV001065373.4), dbSNP rs1210056131, ClinGen allele CA16020802.

ClinVar aggregate classification (germline): Uncertain significance. Review status: reviewed by expert panel (3 of 4 stars). 2 submissions from 2 submitters: Uncertain significance (1). 1 of the submissions does not count toward it. Last evaluated 2020-12-07.

Conditions:
Phenylketonuria (PKU). Also called: Phenylketonurias; Phenylketonuria (PKU); OLIGOPHRENIA PHENYLPYRUVICA; FOLLING DISEASE. Identifiers: Orphanet 716, MedGen C0031485, MONDO:0009861, OMIM 261600. Disease mechanism: loss of function.

Allele frequency attached by ClinVar (database versions not stated): gnomAD exomes below 0.00001; gnomAD 0.00001; TOPMed below 0.00001.
gnomAD v4.1: 6 of 1,613,472 alleles (0.00037%); highest among the groups gnomAD compares: Non-Finnish European, 0.00051%; no homozygotes.

Submissions (2):

ClinGen PAH Variant Curation Expert Panel
Classification: Uncertain significance for Phenylketonuria. Last evaluated: 2020-12-07. Review status: reviewed by expert panel. Criteria: ClinGen PAH ACMG Specifications v1. Collection method: curation. Allele origin: germline. Inheritance: Autosomal recessive inheritance.
Comment: This c.499A>T (p.Asn167Tyr) variant in PAH was reported in 1 patient with PAH deficiency referred to as non-PKU HPA (120 - 600uMol/L Phe), it was detected with pathogenic variant p.Arg408Trp (PMID: 23357515). Computational evidence for this variant is conflicting; predicted to be damaging (SIFT), disease-causing (MutationTaster) and benign (PolyPhen2). This variant was found at an extremely low frequency in gnomAD (MAF=0.00005723). Functional studies have been reported with no major impact on enzyme activity as compared to wild type (PMID: 31208052). In summary, this variant meets criteria to be classified as a variant of uncertain significance for PAH. PAH-specific ACMG/AMP criteria applied: PM2, PM3 supporting, PP4.

Labcorp Genetics (formerly Invitae), Labcorp
Classification: Uncertain significance for Phenylketonuria. Last evaluated: 2023-01-07. Review status: criteria provided, single submitter. Criteria: Invitae Variant Classification Sherloc (09022015). Collection method: clinical testing. Allele origin: germline. Not counted in ClinVar's aggregate classification.
Comment: This missense change has been observed in individual(s) with hyperphenylalaninemia (PMID: 23357515). This variant is present in population databases (no rsID available, gnomAD 0.007%). This sequence change replaces asparagine, which is neutral and polar, with tyrosine, which is neutral and polar, at codon 167 of the PAH protein (p.Asn167Tyr). ClinVar contains an entry for this variant (Variation ID: 1065373). In summary, the available evidence is currently insufficient to determine the role of this variant in disease. Therefore, it has been classified as a Variant of Uncertain Significance. Experimental studies are conflicting or provide insufficient evidence to determine the effect of this variant on PAH function (PMID: 31208052). Advanced modeling of protein sequence and biophysical properties (such as structural, functional, and spatial information, amino acid conservation, physicochemical variation, residue mobility, and thermodynamic stability) performed at Invitae indicates that this missense variant is not expected to disrupt PAH protein function.

Literature cited by the submitters: PubMed 23357515 (cited by Labcorp Genetics (formerly Invitae), Labcorp); PubMed 31208052 (cited by Labcorp Genetics (formerly Invitae), Labcorp).